The following is an entry in ClinVar:

NM_015559.3(SETBP1):c.2799C>A (p.Leu933=)

Gene: SETBP1 (SET binding protein 1; plus strand). Cytogenetic location: 18q12.3.
Variant type: single nucleotide variant.
Coding change: c.2799C>A on transcript NM_015559.3 (MANE Select); coding-DNA position 2799, C replaced by A.
Protein change: p.Leu933=; no amino-acid change (leucine 933 retained).
Molecular consequence: synonymous variant.
Genome position (GRCh38, 1-based): chr18:44,952,139, C>A. VCF-style: chr18-44952139-C-A. GRCh37 (hg19) VCF-style: chr18-42532104-C-A.
Other names: c.2799C>A, p.Leu933= (NM_001379141.1, NM_001379142.1); c.2799C>A (NM_015559.2).
Identifiers: ClinVar variation 1602637 (VCV001602637.9), dbSNP rs942684274, ClinGen allele CA299698878.
Genomic context (GRCh38, chr18:44,952,139, plus strand): 5'-CCGGCATGGCCACCGGCAAAAGCATCTCATTGTGGACAACTTTCTGGCCCACGAAAGCCT[C>A]AAGAAGCCAAAGCACAAGAGGAAACGGAAAAGCCTGCAAAACCGCGATGACCTCCAGTTT-3'
Protein context (NP_056374.2, residues 923-943): IVDNFLAHES[Leu933=]KKPKHKRKRK

ClinVar aggregate classification (germline): Likely benign. Review status: criteria provided, multiple submitters, no conflicts (2 of 4 stars). 2 submissions from 2 submitters: Likely benign (2). Last evaluated 2026-02-24.

Conditions:
SETBP1-related disorder. Also called: SETBP1-related condition; SETBP1-related disorders.

Allele frequency attached by ClinVar (database versions not stated): gnomAD exomes below 0.00001 and 0.00002; gnomAD 0.00001; TOPMed 0.00001.
gnomAD v4.1: 28 of 1,613,992 alleles (0.0017%); highest among the groups gnomAD compares: Admixed American, 0.0033%; no homozygotes.

Submissions (2):

PreventionGenetics, part of Exact Sciences
Classification: Likely benign for SETBP1-related condition. Last evaluated: 2026-02-24. Review status: criteria provided, single submitter. Criteria: ACMG Guidelines, 2015. Collection method: clinical testing. Allele origin: germline.
Comment: This variant is classified as likely benign based on ACMG/AMP sequence variant interpretation guidelines (Richards et al. 2015 PMID: 25741868, with internal and published modifications).

Labcorp Genetics (formerly Invitae), Labcorp
Classification: Likely benign. Last evaluated: 2025-06-02. Review status: criteria provided, single submitter. Criteria: Invitae Variant Classification Sherloc (09022015). Collection method: clinical testing. Allele origin: germline.